The following is an entry in ClinVar:

NM_003846.3(PEX11B):c.24T>A (p.Ser8Arg)

Gene: PEX11B (peroxisomal biogenesis factor 11 beta; minus strand). Cytogenetic location: 1q21.1.
Variant type: single nucleotide variant.
Coding change: c.24T>A on transcript NM_003846.3 (MANE Select); coding-DNA position 24, T replaced by A.
Protein change: p.Ser8Arg; replaces serine 8 with arginine.
Molecular consequence: missense variant. On other transcripts: non-coding transcript variant (2).
Genome position (GRCh38, 1-based): chr1:145,918,665, A>T on the plus strand (T>A on the coding strand, the complement: PEX11B is on the minus strand). VCF-style: chr1-145918665-A-T. GRCh37 (hg19) VCF-style: chr1-145516424-T-A.
Other names: short protein forms S8R.
Identifiers: ClinVar variation 1691019 (VCV001691019.7), dbSNP rs1553754382, ClinGen allele CA342125304.
Genomic context (GRCh38, chr1:145,918,665, plus strand): 5'-CCCACCCCCATTCCTATTCGGGCCGCACCTACACAGCCGCTCCCGGGCTTGGCTCTGAGC[A>T]CTGAAGCGGACCCAGGCGTCCATGACAGCCGCAGCCCAGGCTCCGCGGCCCTGCTCCCGC-3'
Protein context (NP_003837.1, residues 1-18): MDAWVRF[Ser8Arg]AQSQARERLC

ClinVar aggregate classification (germline): Uncertain significance. Review status: criteria provided, multiple submitters, no conflicts (2 of 4 stars). 2 submissions from 2 submitters: Uncertain significance (2). Last evaluated 2022-10-18.

Submissions (2):

Labcorp Genetics (formerly Invitae), Labcorp
Classification: Uncertain significance. Last evaluated: 2022-10-18. Review status: criteria provided, single submitter. Criteria: Invitae Variant Classification Sherloc (09022015). Collection method: clinical testing. Allele origin: germline.
Comment: ClinVar contains an entry for this variant (Variation ID: 1691019). In summary, the available evidence is currently insufficient to determine the role of this variant in disease. Therefore, it has been classified as a Variant of Uncertain Significance. Algorithms developed to predict the effect of missense changes on protein structure and function are either unavailable or do not agree on the potential impact of this missense change (SIFT: "Deleterious"; PolyPhen-2: "Possibly Damaging"; Align-GVGD: "Class C0"). This variant has not been reported in the literature in individuals affected with PEX11B-related conditions. This variant is not present in population databases (gnomAD no frequency). This sequence change replaces serine, which is neutral and polar, with arginine, which is basic and polar, at codon 8 of the PEX11B protein (p.Ser8Arg).

Laboratorio de Genetica e Diagnostico Molecular, Hospital Israelita Albert Einstein
Classification: Uncertain significance. Last evaluated: 2019-06-11. Review status: criteria provided, single submitter. Criteria: ACMG Guidelines, 2015. Collection method: clinical testing. Allele origin: germline. Affected: yes.
Comment: ACMG classification criteria: PM2, BP1